The following is an entry in ClinVar:

NM_000051.4(ATM):c.776T>C (p.Leu259Pro)

Gene: ATM (ATM serine/threonine kinase; plus strand). Cytogenetic location: 11q22.3.
Variant type: single nucleotide variant.
Coding change: c.776T>C on transcript NM_000051.4 (MANE Select); coding-DNA position 776, T replaced by C.
Protein change: p.Leu259Pro; replaces leucine 259 with proline.
Molecular consequence: missense variant.
Genome position (GRCh38, 1-based): chr11:108,244,901, T>C. VCF-style: chr11-108244901-T-C. GRCh37 (hg19) VCF-style: chr11-108115628-T-C.
Other names: c.776T>C, p.Leu259Pro (NM_001351834.2); short protein forms L259P.
Identifiers: ClinVar variation 2754810 (VCV002754810.3), dbSNP rs1565371619, ClinGen allele CA382529326.
Genomic context (GRCh38, chr11:108,244,901, plus strand): 5'-TCCTCAAGACTTTGGCTGTCAACTTTCGAATTCGAGTGTGTGAATTAGGAGATGAAATTC[T>C]TCCCACTTTGCTTTATATTTGGACTCAACATAGGCTTAATGATTCTTTAAAAGAAGTCAT-3'
Protein context (NP_000042.3, residues 249-269): IRVCELGDEI[Leu259Pro]PTLLYIWTQH

ClinVar aggregate classification (germline): Uncertain significance (1 of 4 stars; one submission).

Conditions:
Ataxia-telangiectasia syndrome (AT). Also called: LOUIS-BAR SYNDROME; AT, COMPLEMENTATION GROUP C; ATAXIA-TELANGIECTASIA, COMPLEMENTATION GROUP A; ATAXIA-TELANGIECTASIA, FRESNO VARIANT; Ataxia-telangiectasia; Cerebello-oculocutaneous telangiectasia. Identifiers: Orphanet 100, MedGen C0004135, MONDO:0008840, OMIM 208900.

Submission:

Labcorp Genetics (formerly Invitae), Labcorp
Classification: Uncertain significance for Ataxia-telangiectasia syndrome. Last evaluated: 2023-08-24. Review status: criteria provided, single submitter. Criteria: Invitae Variant Classification Sherloc (09022015). Collection method: clinical testing. Allele origin: germline.
Comment: This sequence change replaces leucine, which is neutral and non-polar, with proline, which is neutral and non-polar, at codon 259 of the ATM protein (p.Leu259Pro). In summary, the available evidence is currently insufficient to determine the role of this variant in disease. Therefore, it has been classified as a Variant of Uncertain Significance. An algorithm developed to predict the effect of missense changes on protein structure and function (PolyPhen-2) suggests that this variant is likely to be disruptive. This variant has not been reported in the literature in individuals affected with ATM-related conditions. This variant is not present in population databases (gnomAD no frequency).